The following is an entry in ClinVar:

ClinVar aggregate classification (germline): Conflicting classifications of pathogenicity. Review status: criteria provided, conflicting classifications (1 of 4 stars). 4 submissions from 4 submitters: Uncertain significance (2); Likely benign (2). Last evaluated 2025-09-25.

Conditions:
Cardiovascular phenotype. Identifiers: MedGen CN230736.
Catecholaminergic polymorphic ventricular tachycardia 1. Also called: VENTRICULAR TACHYCARDIA, CATECHOLAMINERGIC POLYMORPHIC, 1, WITH OR WITHOUT ATRIAL DYSFUNCTION AND/OR DILATED CARDIOMYOPATHY; VENTRICULAR TACHYCARDIA, STRESS-INDUCED POLYMORPHIC 1; RYR2-Related Catecholaminergic Polymorphic Ventricular Tachycardia. Identifiers: Orphanet 3286, MedGen C1631597, MONDO:0011484, OMIM 604772.
Cardiomyopathy (CMYO). Also called: Cardiomyopathies. Identifiers: Orphanet 167848, MedGen C0878544, MONDO:0004994, HP:0001638. Inheritance: Various modes of inheritance.

Allele frequency attached by ClinVar (database versions not stated): gnomAD exomes below 0.00001; TOPMed 0.00001.
gnomAD v4.1: 2 of 1,602,786 alleles (0.00012%); highest among the groups gnomAD compares: African/African-American, 0.0013%; no homozygotes.

Submissions (4):

Labcorp Genetics (formerly Invitae), Labcorp
Classification: Likely benign for Catecholaminergic polymorphic ventricular tachycardia 1. Last evaluated: 2025-09-25. Review status: criteria provided, single submitter. Criteria: Invitae Variant Classification Sherloc (09022015). Collection method: clinical testing. Allele origin: germline.

Color Diagnostics, LLC DBA Color Health
Classification: Uncertain significance for Cardiomyopathy. Last evaluated: 2025-08-07. Review status: criteria provided, single submitter. Criteria: ACMG Guidelines, 2015. Collection method: clinical testing. Allele origin: germline.
Comment: This variant is located in the RYR2 protein. To our knowledge, functional studies have not been reported for this variant. This variant has not been reported in individuals affected with RYR2-related disorders in the literature. This variant has not been identified in the general population by the Genome Aggregation Database (gnomAD). The available evidence is insufficient to determine the role of this variant in disease conclusively. Therefore, this variant is classified as a Variant of Uncertain Significance.

Ambry Genetics
Classification: Uncertain significance for Cardiovascular phenotype. Last evaluated: 2023-04-24. Review status: criteria provided, single submitter. Criteria: Ambry Variant Classification Scheme 2023. Collection method: clinical testing. Allele origin: germline.
Comment: The c.9384G>A variant (also known as p.V3128V), located in coding exon 66 of the RYR2 gene, results from a G to A substitution at nucleotide position 9384. This nucleotide substitution does not change the valine at codon 3128. This nucleotide position is not well conserved in available vertebrate species. In silico splice site analysis for this alteration is inconclusive. Since supporting evidence is limited at this time, the clinical significance of this alteration remains unclear.

Blueprint Genetics
Classification: Likely benign. Last evaluated: 2022-10-14. Review status: criteria provided, single submitter. Criteria: ACMG Guidelines, 2015. Collection method: clinical testing. Allele origin: germline.

NM_001035.3(RYR2):c.9384G>A (p.Val3128=)

Gene: RYR2 (ryanodine receptor 2; plus strand). Cytogenetic location: 1q43.
Variant type: single nucleotide variant.
Coding change: c.9384G>A on transcript NM_001035.3 (MANE Select); coding-DNA position 9384, G replaced by A.
Protein change: p.Val3128=; no amino-acid change (valine 3128 retained).
Molecular consequence: synonymous variant.
Genome position (GRCh38, 1-based): chr1:237,701,994, G>A. VCF-style: chr1-237701994-G-A. GRCh37 (hg19) VCF-style: chr1-237865294-G-A.
Other names: c.9384G>A (NM_001035.2).
Identifiers: ClinVar variation 1634262 (VCV001634262.12), dbSNP rs1225100895, ClinGen allele CA423818848.